The following is an entry in ClinVar:

ClinVar aggregate classification (germline): Likely benign. Review status: criteria provided, multiple submitters, no conflicts (2 of 4 stars). 3 submissions from 3 submitters: Likely benign (3). Last evaluated 2026-04-13.

Conditions:
UNC80-related disorder. Also called: UNC80-related condition.

Allele frequency attached by ClinVar (database versions not stated): 1000 Genomes Project 0.00020; ExAC 0.00023; TOPMed 0.00024; 1000 Genomes Project 30x 0.00031; gnomAD 0.00038; ESP Exome Variant Server 0.00066.
gnomAD v4.1: 68 of 1,551,572 alleles (0.0044%); highest among the groups gnomAD compares: African/African-American, 0.092%; 1 homozygote.

Submissions (3):

PreventionGenetics, part of Exact Sciences
Classification: Likely benign for UNC80-related condition. Last evaluated: 2026-04-13. Review status: criteria provided, single submitter. Criteria: ACMG Guidelines, 2015. Collection method: clinical testing. Allele origin: germline.
Comment: This variant is classified as likely benign based on ACMG/AMP sequence variant interpretation guidelines (Richards et al. 2015 PMID: 25741868, with internal and published modifications).

Labcorp Genetics (formerly Invitae), Labcorp
Classification: Likely benign. Last evaluated: 2025-12-22. Review status: criteria provided, single submitter. Criteria: Invitae Variant Classification Sherloc (09022015). Collection method: clinical testing. Allele origin: germline.

Breakthrough Genomics
Classification: Likely benign. Review status: criteria provided, single submitter. Criteria: ACMG Guidelines, 2015. Collection method: not provided. Allele origin: germline. Inheritance: Autosomal recessive inheritance. Affected: yes.

NM_001371986.1(UNC80):c.9144G>A (p.Val3048=)

Gene: UNC80 (unc-80 subunit of NALCN channel complex; plus strand). Cytogenetic location: 2q34.
Variant type: single nucleotide variant.
Coding change: c.9144G>A on transcript NM_001371986.1 (MANE Select); coding-DNA position 9144, G replaced by A.
Protein change: p.Val3048=; no amino-acid change (valine 3048 retained).
Molecular consequence: synonymous variant.
Genome position (GRCh38, 1-based): chr2:209,982,204, G>A. VCF-style: chr2-209982204-G-A. GRCh37 (hg19) VCF-style: chr2-210846928-G-A.
Other names: c.8946G>A, p.Val2982= (NM_032504.2); c.8931G>A, p.Val2977= (NM_182587.4).
Identifiers: ClinVar variation 743626 (VCV000743626.12), dbSNP rs367569387, ClinGen allele CA2083635.
Genomic context (GRCh38, chr2:209,982,204, plus strand): 5'-GTTTTTGTAACACTCTATTCCTTTGCCCCTTTTAGATGACTCTATAAGCATGCCCAGCGT[G>A]GTAAGTGAACAAGAAGCTTACCTCCTGAGTGCCATTGGAAGGAGGCGATTCTCCAGCCAT-3'
Protein context (NP_001358915.1, residues 3038-3058): EENDSISMPS[Val3048=]VSEQEAYLLS